The following is an entry in ClinVar:

NM_004204.5(PIGQ):c.690-2A>G

Gene: PIGQ (phosphatidylinositol glycan anchor biosynthesis class Q; plus strand). Cytogenetic location: 16p13.3.
Variant type: single nucleotide variant.
Coding change: c.690-2A>G on transcript NM_004204.5 (MANE Select); the canonical splice acceptor site of the intron before coding-DNA position 690, A replaced by G.
Molecular consequence: splice acceptor variant.
Genome position (GRCh38, 1-based): chr16:575,837, A>G. VCF-style: chr16-575837-A-G. GRCh37 (hg19) VCF-style: chr16-625837-A-G.
Other names: IVS2AS, A-G, -2; c.690-2A>G (NM_148920.4).
Identifiers: ClinVar variation 140458 (VCV000140458.6), dbSNP rs587777543, ClinGen allele CA232604.

ClinVar aggregate classification (germline): Pathogenic. Review status: criteria provided, single submitter (1 of 4 stars). 2 submissions from 2 submitters: Pathogenic (1). 1 of the submissions does not count toward it. Last evaluated 2020-04-02.

Conditions:
Developmental and epileptic encephalopathy, 77. Also called: GLYCOSYLPHOSPHATIDYLINOSITOL BIOSYNTHESIS DEFECT 19; EPILEPTIC ENCEPHALOPATHY, EARLY INFANTILE, 77; MULTIPLE CONGENITAL ANOMALIES-HYPOTONIA-SEIZURES SYNDROME 4. Identifiers: MedGen C5231405, MONDO:0032808, OMIM 618548.

Allele frequency attached by ClinVar (database versions not stated): gnomAD exomes below 0.00001 and 0.00001; TOPMed below 0.00001.
gnomAD v4.1: 1 of 1,561,842 alleles (0.000064%); highest among the groups gnomAD compares: Admixed American, 0.0019%; no homozygotes.

Submissions (2):

Centre for Mendelian Genomics, University Medical Centre Ljubljana
Classification: Pathogenic for Developmental and epileptic encephalopathy, 77. Last evaluated: 2020-04-02. Review status: criteria provided, single submitter. Criteria: ACMG Guidelines, 2015. Collection method: clinical testing. Allele origin: unknown. Affected: yes.
Comment: This variant was classified as: Pathogenic. The following ACMG criteria were applied in classifying this variant: PVS1,PS3,PM2,PS4_SUPP.

OMIM
Classification: Pathogenic for MULTIPLE CONGENITAL ANOMALIES-HYPOTONIA-SEIZURES SYNDROME 4. Last evaluated: 2014-06-15. Review status: no assertion criteria provided. Collection method: literature only. Allele origin: germline. Not counted in ClinVar's aggregate classification.

Literature cited by the submitters: PubMed 24463883 (cited by OMIM).